The following is an entry in ClinVar:

NM_000053.4(ATP7B):c.670dup (p.Ile224fs)

Gene: ATP7B (ATPase copper transporting beta; minus strand). Cytogenetic location: 13q14.3.
Variant type: Duplication.
Coding change: c.670dup on transcript NM_000053.4 (MANE Select); coding-DNA position 670, one base duplicated (A; older notation c.670dupA).
Protein change: p.Ile224fs; shifts the reading frame from isoleucine 224.
Molecular consequence: frameshift variant.
Genome position (GRCh38, 1-based): chr13:51,974,550, T duplicated on the plus strand (A on the coding strand, the reverse complement: ATP7B is on the minus strand). VCF-style (leftmost placement, unchanged base first): chr13-51974549-A-AT. GRCh37 (hg19) VCF-style: chr13-52548685-A-AT.
Other names: c.670dup, p.Ile224fs (NM_001005918.3, NM_001243182.2, NM_001330578.2 and 30 more transcripts); c.574dup, p.Ile192fs (NM_001406517.1, NM_001406518.1, NM_001406530.1 and 4 more transcripts); short protein forms I192fs, I224fs.
Identifiers: ClinVar variation 5014259 (VCV005014259.1).

ClinVar aggregate classification (germline): Pathogenic (1 of 4 stars; one submission).

Conditions:
Wilson disease (WND). Also called: Wilson's disease. Identifiers: Orphanet 905, MedGen C0019202, MONDO:0010200, OMIM 277900. Disease mechanism: loss of function.

Submission:

Myriad Genetics, Inc.
Classification: Pathogenic for Wilson disease. Last evaluated: 2024-03-01. Review status: criteria provided, single submitter. Criteria: Myriad Autosomal Dominant, Autosomal Recessive and X-Linked Classification Criteria (2023). Collection method: clinical testing. Allele origin: unknown.
Comment: NM_000053.3(ATP7B):c.670dupA(I224Nfs*2) is expected to be pathogenic in the context of Wilson disease. This variant is predicted to lead to an abnormal or absent protein product due to the creation of a premature termination codon in ATP7B, a gene where loss-of-function variants are known to be pathogenic. Please note: this variant was assessed in the context of healthy population screening.